The following is an entry in ClinVar:

ClinVar aggregate classification (germline): Likely pathogenic (1 of 4 stars; one submission).

Conditions:
Muscular dystrophy-dystroglycanopathy (congenital with impaired intellectual development), type B, 2. Also called: MUSCULAR DYSTROPHY, CONGENITAL, POMT2-RELATED; Muscular dystrophy-dystroglycanopathy (congenital with intellectual disability), type B2. Identifiers: MedGen C3150416, MONDO:0013160, OMIM 613156.
Muscular dystrophy-dystroglycanopathy (congenital with brain and eye anomalies), type A2. Also called: MUSCULAR DYSTROPHY-DYSTROGLYCANOPATHY (CONGENITAL WITH BRAIN AND EYE ANOMALIES), TYPE A, 2; WALKER-WARBURG SYNDROME OR MUSCLE-EYE-BRAIN DISEASE, POMT2-RELATED. Identifiers: Orphanet 588, Orphanet 899, MedGen C3150411, MONDO:0013154, OMIM 613150.
Autosomal recessive limb-girdle muscular dystrophy type 2N. Also called: MUSCULAR DYSTROPHY-DYSTROGLYCANOPATHY, LIMB-GIRDLE, POMT2-RELATED; Muscular dystrophy-dystroglycanopathy (limb-girdle), type C, 2. Identifiers: Orphanet 206559, MedGen C3150418, MONDO:0013162, OMIM 613158.

Submission:

Labcorp Genetics (formerly Invitae), Labcorp
Classification: Likely pathogenic for Muscular dystrophy-dystroglycanopathy (congenital with impaired intellectual development), type B, 2; Muscular dystrophy-dystroglycanopathy (congenital with brain and eye anomalies), type A2; Autosomal recessive limb-girdle muscular dystrophy type 2N. Last evaluated: 2022-10-13. Review status: criteria provided, single submitter. Criteria: Invitae Variant Classification Sherloc (09022015). Collection method: clinical testing. Allele origin: germline.
Comment: In summary, the currently available evidence indicates that the variant is pathogenic, but additional data are needed to prove that conclusively. Therefore, this variant has been classified as Likely Pathogenic. Algorithms developed to predict the effect of sequence changes on RNA splicing suggest that this variant may disrupt the consensus splice site. This variant has not been reported in the literature in individuals affected with POMT2-related conditions. This variant is not present in population databases (gnomAD no frequency). This sequence change affects a donor splice site in intron 18 of the POMT2 gene. It is expected to disrupt RNA splicing. Variants that disrupt the donor or acceptor splice site typically lead to a loss of protein function (PMID: 16199547), and loss-of-function variants in POMT2 are known to be pathogenic (PMID: 15894594).

Literature cited by the submitters: PubMed 16199547; PubMed 15894594.

NM_013382.7(POMT2):c.1891+1G>C

Gene: POMT2 (protein O-mannosyltransferase 2; minus strand). Cytogenetic location: 14q24.3.
Variant type: single nucleotide variant.
Coding change: c.1891+1G>C on transcript NM_013382.7 (MANE Select); the canonical splice donor site of the intron after coding-DNA position 1891, G replaced by C.
Molecular consequence: splice donor variant.
Genome position (GRCh38, 1-based): chr14:77,279,822, C>G on the plus strand (G>C on the coding strand, the complement: POMT2 is on the minus strand). VCF-style: chr14-77279822-C-G. GRCh37 (hg19) VCF-style: chr14-77746165-C-G.
Identifiers: ClinVar variation 1960380 (VCV001960380.5), dbSNP rs1455013590, ClinGen allele CA390514404.